The following is an entry in ClinVar:

NM_152443.3(RDH12):c.448+4_448+7del

Genes: GPHN (gephyrin; plus strand), RDH12 (retinol dehydrogenase 12; plus strand). Cytogenetic location: 14q24.1.
Variant type: Deletion.
Coding change: c.448+4_448+7del on transcript NM_152443.3 (MANE Select); bases 4 to 7 of the intron after coding-DNA position 448, 4 bases deleted (AGTA; older notation c.448+4_448+7delAGTA).
Molecular consequence: splice donor variant.
Genome position (GRCh38, 1-based): chr14:67,726,159-67,726,162, AGTA deleted; deleting any 4 consecutive bases within chr14:67,726,156-67,726,162 gives the same sequence; the c. name uses the placement nearest the transcript's 3' end. VCF-style (leftmost placement, unchanged base first): chr14-67726155-GGTAA-G. GRCh37 (hg19) VCF-style: chr14-68192872-GGTAA-G.
Identifiers: ClinVar variation 2960086 (VCV002960086.3), dbSNP rs774690294, ClinGen allele CA7238703.
Genomic context (GRCh38, chr14:67,726,155, plus strand): 5'-ATGTGTCCATATTCCAAGACAGCTGATGGCTTTGAAACCCACCTGGGAGTCAACCACCTG[GGTAA>G]GTATCTTTGGGTGACTAAAAAATGAGGTACACCCACTATCTTTTCTTTAGGAAGATGACA-3'

ClinVar aggregate classification (germline): Uncertain significance (1 of 4 stars; one submission).

Conditions:
Leber congenital amaurosis 13 (LCA13). Identifiers: MedGen C2675186, MONDO:0012990, OMIM 612712.

Submission:

Labcorp Genetics (formerly Invitae), Labcorp
Classification: Uncertain significance for Leber congenital amaurosis 13. Last evaluated: 2023-10-04. Review status: criteria provided, single submitter. Criteria: Invitae Variant Classification Sherloc (09022015). Collection method: clinical testing. Allele origin: germline.
Comment: This sequence change falls in intron 6 of the RDH12 gene. It does not directly change the encoded amino acid sequence of the RDH12 protein. It affects a nucleotide within the consensus splice site. This variant is not present in population databases (gnomAD no frequency). This variant has not been reported in the literature in individuals affected with RDH12-related conditions. Variants that disrupt the consensus splice site are a relatively common cause of aberrant splicing (PMID: 17576681, 9536098). Algorithms developed to predict the effect of sequence changes on RNA splicing suggest that this variant may disrupt the consensus splice site. In summary, the available evidence is currently insufficient to determine the role of this variant in disease. Therefore, it has been classified as a Variant of Uncertain Significance.

Literature cited by the submitters: PubMed 17576681; PubMed 9536098.